The following is an entry in ClinVar:

ClinVar aggregate classification (germline): Benign/Likely benign. Review status: criteria provided, multiple submitters, no conflicts (2 of 4 stars). 10 submissions from 10 submitters: Benign (5); Likely benign (2). 3 of the submissions do not count toward it. Last evaluated 2026-07-01.

Conditions:
Abetalipoproteinaemia (ABL). Also called: MTP DEFICIENCY; Abetalipoproteinemia; Abetalipoproteinemia neuropathy; Apolipoprotein B deficiency; Congenital betalipoprotein deficiency syndrome. Identifiers: Orphanet 14, MedGen C0000744, MONDO:0008692, OMIM 200100, HP:0008181.

Allele frequency attached by ClinVar (database versions not stated): TOPMed 0.01093; 1000 Genomes Project 30x 0.01140; 1000 Genomes Project 0.01258; ESP Exome Variant Server 0.01261; gnomAD 0.01357.
gnomAD v4.1: 27,807 of 1,614,112 alleles (1.7%); highest among the groups gnomAD compares: South Asian, 3.9%; 344 homozygotes.

Submissions (10):

CeGaT Center for Human Genetics Tuebingen
Classification: Benign. Last evaluated: 2026-07-01. Review status: criteria provided, single submitter. Criteria: CeGaT Center For Human Genetics Tuebingen Variant Classification Criteria Version 2. Collection method: clinical testing. Allele origin: germline. Affected: yes. Observed: 13 variant alleles.
Comment: MTTP: BP4, BS1, BS2

Labcorp Genetics (formerly Invitae), Labcorp
Classification: Benign. Last evaluated: 2026-02-03. Review status: criteria provided, single submitter. Criteria: Invitae Variant Classification Sherloc (09022015). Collection method: clinical testing. Allele origin: germline.

Women's Health and Genetics/Laboratory Corporation of America, LabCorp
Classification: Likely benign. Last evaluated: 2021-12-10. Review status: criteria provided, single submitter. Criteria: LabCorp Variant Classification Summary - May 2015. Collection method: clinical testing. Allele origin: germline.

GeneDx
Classification: Benign. Last evaluated: 2019-11-15. Review status: criteria provided, single submitter. Criteria: GeneDx Variant Classification Process June 2021. Collection method: clinical testing. Allele origin: germline. Affected: yes.
Comment: This variant is associated with the following publications: (PMID: 27487388, 27884173, 20592474, 25525159)

Mayo Clinic Laboratories, Mayo Clinic
Classification: Benign. Last evaluated: 2019-09-05. Review status: criteria provided, single submitter. Criteria: ACMG Guidelines, 2015. Collection method: clinical testing. Allele origin: germline. Observed: 54 variant alleles.

Illumina Laboratory Services, Illumina
Classification: Benign for Abetalipoproteinaemia. Last evaluated: 2018-03-06. Review status: criteria provided, single submitter. Criteria: ICSL Variant Classification Criteria 13 December 2019. Collection method: clinical testing. Allele origin: germline.
Comment: This variant was observed in the ICSL laboratory as part of a predisposition screen in an ostensibly healthy population. It had not been previously curated by ICSL or reported in the Human Gene Mutation Database (HGMD: prior to June 1st, 2018), and was therefore a candidate for classification through an automated scoring system. Utilizing variant allele frequency, disease prevalence and penetrance estimates, and inheritance mode, an automated score was calculated to assess if this variant is too frequent to cause the disease. Based on the score and internal cut-off values, a variant classified as benign is not then subjected to further curation. The score for this variant resulted in a classification of benign for this disease.

Breakthrough Genomics
Classification: Likely benign. Review status: criteria provided, single submitter. Criteria: ACMG Guidelines, 2015. Collection method: not provided. Allele origin: germline. Inheritance: Autosomal recessive inheritance. Affected: yes.

Counsyl
Classification: Likely benign for Abetalipoproteinaemia. Last evaluated: 2017-03-06. Review status: no assertion criteria provided. Collection method: clinical testing. Allele origin: unknown. Not counted in ClinVar's aggregate classification.

Clinical Genetics, Academic Medical Center
Classification: Benign. Review status: no assertion criteria provided. Collection method: clinical testing. Allele origin: germline. Affected: yes. Study: VKGL Data-share Consensus. Not counted in ClinVar's aggregate classification.

Diagnostic Laboratory, Department of Genetics, University Medical Center Groningen
Classification: Benign for Abetalipoproteinaemia. Review status: no assertion criteria provided. Collection method: clinical testing. Allele origin: germline. Affected: yes. Study: VKGL Data-share Consensus. Not counted in ClinVar's aggregate classification.

Literature cited by the submitters: PubMed 27487388 (cited by Counsyl).

NM_001386140.1(MTTP):c.136C>G (p.Arg46Gly)

Gene: MTTP (microsomal triglyceride transfer protein; plus strand). Cytogenetic location: 4q23.
Variant type: single nucleotide variant.
Coding change: c.136C>G on transcript NM_001386140.1 (MANE Select); coding-DNA position 136, C replaced by G.
Protein change: p.Arg46Gly; replaces arginine 46 with glycine.
Molecular consequence: missense variant. On other transcripts: 5 prime UTR variant (1).
Genome position (GRCh38, 1-based): chr4:99,581,979, C>G. VCF-style: chr4-99581979-C-G. GRCh37 (hg19) VCF-style: chr4-100503136-C-G.
Other names: p.Arg46Gly; c.136C>G, p.Arg46Gly (NM_000253.4); c.-114C>G (NM_001300785.2); short protein forms R46G.
Identifiers: ClinVar variation 347020 (VCV000347020.49), dbSNP rs141736123, ClinGen allele CA3021748.